The following is an entry in ClinVar:

NM_024675.4(PALB2):c.232del (p.Val78fs)

Gene: PALB2 (partner and localizer of BRCA2; minus strand). Cytogenetic location: 16p12.2.
Variant type: Deletion.
Coding change: c.232del on transcript NM_024675.4 (MANE Select); coding-DNA position 232, one base deleted (G; older notation c.232delG).
Protein change: p.Val78fs; shifts the reading frame from valine 78.
Molecular consequence: frameshift variant.
Genome position (GRCh38, 1-based): chr16:23,636,314, C deleted on the plus strand (G on the coding strand, the reverse complement: PALB2 is on the minus strand). VCF-style (leftmost placement, unchanged base first): chr16-23636313-AC-A. GRCh37 (hg19) VCF-style: chr16-23647634-AC-A.
Other names: c.232delG (NM_024675.3); short protein forms V78fs.
Identifiers: ClinVar variation 486009 (VCV000486009.5), dbSNP rs1555461868, ClinGen allele CA658658448.
Genomic context (GRCh38, chr16:23,636,313, plus strand): 5'-ATAGATGTCTTTTCTCCAGTTTCTTCATCAAGATGGGTTTTGATGTGTAACTTGTCATAA[AC>A]ACATATTTTATTTTTAGGTTCTGAGGAGGAAAAAAATGTATATAACTTATATTTTTCTTA-3'

ClinVar aggregate classification (germline): Pathogenic (1 of 4 stars; one submission).

Conditions:
Hereditary cancer-predisposing syndrome. Also called: Tumor predisposition; Hereditary Cancer Syndrome; Hereditary neoplastic syndrome; Neoplastic Syndromes, Hereditary. Identifiers: Orphanet 140162, MedGen C0027672, MeSH D009386, MONDO:0015356.

Submission:

Ambry Genetics
Classification: Pathogenic for Hereditary cancer-predisposing syndrome. Last evaluated: 2016-07-15. Review status: criteria provided, single submitter. Criteria: Ambry Variant Classification Scheme 2023. Collection method: clinical testing. Allele origin: germline.
Comment: The c.232delG pathogenic mutation, located in coding exon 4 of the PALB2 gene, results from a deletion of one nucleotide at nucleotide position 232, causing a translational frameshift with a predicted alternate stop codon (p.V78Ffs*99). This alteration is expected to result in loss of function by premature protein truncation or nonsense-mediated mRNA decay. As such, this alteration is interpreted as a disease-causing mutation.